The following is an entry in ClinVar:

ClinVar aggregate classification (germline): Uncertain significance (1 of 4 stars; one submission).

Submission:

GeneDx
Classification: Uncertain significance. Last evaluated: 2019-11-14. Review status: criteria provided, single submitter. Criteria: GeneDx Variant Classification Process June 2021. Collection method: clinical testing. Allele origin: germline. Affected: yes.
Comment: Not observed in large population cohorts (Lek et al., 2016); In silico analysis, which includes protein predictors and evolutionary conservation, supports a deleterious effect; Has not been previously published as pathogenic or benign to our knowledge

NM_012250.6(RRAS2):c.247A>T (p.Met83Leu)

Gene: RRAS2 (RAS related 2; minus strand). Cytogenetic location: 11p15.2.
Variant type: single nucleotide variant.
Coding change: c.247A>T on transcript NM_012250.6 (MANE Select); coding-DNA position 247, A replaced by T.
Protein change: p.Met83Leu; replaces methionine 83 with leucine.
Molecular consequence: missense variant.
Genome position (GRCh38, 1-based): chr11:14,294,812, T>A on the plus strand (A>T on the coding strand, the complement: RRAS2 is on the minus strand). VCF-style: chr11-14294812-T-A. GRCh37 (hg19) VCF-style: chr11-14316358-T-A.
Other names: c.16A>T, p.Met6Leu (NM_001102669.3, NM_001177315.2); c.142A>T, p.Met48Leu (NM_001177314.2); short protein forms M48L, M6L, M83L.
Identifiers: ClinVar variation 1198070 (VCV001198070.2), dbSNP rs2133961956, ClinGen allele CA379860491.